The following is an entry in ClinVar:

NM_001916.5(CYC1):c.824G>A (p.Arg275His)

Gene: CYC1 (cytochrome c1; plus strand). Cytogenetic location: 8q24.3.
Variant type: single nucleotide variant.
Coding change: c.824G>A on transcript NM_001916.5 (MANE Select); coding-DNA position 824, G replaced by A.
Protein change: p.Arg275His; replaces arginine 275 with histidine.
Molecular consequence: missense variant.
Genome position (GRCh38, 1-based): chr8:144,097,085, G>A. VCF-style: chr8-144097085-G-A. GRCh37 (hg19) VCF-style: chr8-145151988-G-A.
Other names: short protein forms R275H.
Identifiers: ClinVar variation 2963816 (VCV002963816.3), dbSNP rs780653499, ClinGen allele CA4933553.
Genomic context (GRCh38, chr8:144,097,085, plus strand): 5'-GTTGGCCAGGCACCCCAGCTACCATGTCCCAGATAGCCAAGGATGTGTGCACCTTCCTGC[G>A]CTGGGCATCTGAGCCAGAGCACGACCATCGAAAACGCATGGGGCTCAAGGTAAAAGGGTT-3'
Protein context (NP_001907.3, residues 265-285): QIAKDVCTFL[Arg275His]WASEPEHDHR

ClinVar aggregate classification (germline): Uncertain significance (1 of 4 stars; one submission).

Allele frequency attached by ClinVar (database versions not stated): ExAC 0.00001; gnomAD 0.00001; TOPMed 0.00002.
gnomAD v4.1: 8 of 1,611,626 alleles (0.0005%); highest among the groups gnomAD compares: South Asian, 0.0044%; no homozygotes.

Submission:

Labcorp Genetics (formerly Invitae), Labcorp
Classification: Uncertain significance. Last evaluated: 2026-01-05. Review status: criteria provided, single submitter. Criteria: Invitae Variant Classification Sherloc (09022015). Collection method: clinical testing. Allele origin: germline.
Comment: This sequence change replaces arginine, which is basic and polar, with histidine, which is basic and polar, at codon 275 of the CYC1 protein (p.Arg275His). The frequency data for this variant in the population databases is considered unreliable, as metrics indicate poor data quality at this position in the gnomAD database. This variant has not been reported in the literature in individuals affected with CYC1-related conditions. ClinVar contains an entry for this variant (Variation ID: 2963816). Invitae Evidence Modeling of protein sequence and biophysical properties (such as structural, functional, and spatial information, amino acid conservation, physicochemical variation, residue mobility, and thermodynamic stability) indicates that this missense variant is not expected to disrupt CYC1 protein function with a negative predictive value of 80%. In summary, the available evidence is currently insufficient to determine the role of this variant in disease. Therefore, it has been classified as a Variant of Uncertain Significance.